The following is an entry in ClinVar:

NM_024675.4(PALB2):c.2596G>A (p.Gly866Ser)

Gene: PALB2 (partner and localizer of BRCA2; minus strand). Cytogenetic location: 16p12.2.
Variant type: single nucleotide variant.
Coding change: c.2596G>A on transcript NM_024675.4 (MANE Select); coding-DNA position 2596, G replaced by A.
Protein change: p.Gly866Ser; replaces glycine 866 with serine.
Molecular consequence: missense variant.
Genome position (GRCh38, 1-based): chr16:23,626,388, C>T on the plus strand (G>A on the coding strand, the complement: PALB2 is on the minus strand). VCF-style: chr16-23626388-C-T. GRCh37 (hg19) VCF-style: chr16-23637709-C-T.
Other names: short protein forms G866S.
Identifiers: ClinVar variation 1019265 (VCV001019265.12), dbSNP rs780415750, ClinGen allele CA395122255.
Genomic context (GRCh38, chr16:23,626,388, plus strand): 5'-ATGGCTCTTTACAACCGGCTCTTTCCCAAAACATGGCACTCACATCTACGGAACAGGAAC[C>T]TGAAGGATTCTGACACAATGGCAACAGTTCTGTTAAAGTGGCACTCGAGTGCTGTTTTAT-3'
Protein context (NP_078951.2, residues 856-876): QLVSELKNPS[Gly866Ser]SCSVDVSAMF

ClinVar aggregate classification (germline): Uncertain significance. Review status: criteria provided, multiple submitters, no conflicts (2 of 4 stars). 2 submissions from 2 submitters: Uncertain significance (2). Last evaluated 2023-03-07.

Conditions:
Hereditary cancer-predisposing syndrome. Also called: Tumor predisposition; Neoplastic Syndromes, Hereditary; Hereditary neoplastic syndrome; Hereditary Cancer Syndrome. Identifiers: Orphanet 140162, MedGen C0027672, MeSH D009386, MONDO:0015356.
Familial cancer of breast. Also called: Hereditary breast cancer; BREAST CANCER, FAMILIAL; hereditary breast carcinoma. Identifiers: Orphanet 227535, MedGen C0346153, MONDO:0016419, OMIM 114480. Disease mechanism: loss of function.

Submissions (2):

Labcorp Genetics (formerly Invitae), Labcorp
Classification: Uncertain significance for Familial cancer of breast. Last evaluated: 2023-03-07. Review status: criteria provided, single submitter. Criteria: Invitae Variant Classification Sherloc (09022015). Collection method: clinical testing. Allele origin: germline.
Comment: This sequence change replaces glycine, which is neutral and non-polar, with serine, which is neutral and polar, at codon 866 of the PALB2 protein (p.Gly866Ser). This variant is not present in population databases (gnomAD no frequency). This missense change has been observed in individual(s) with breast cancer (PMID: 26564480). ClinVar contains an entry for this variant (Variation ID: 1019265). Advanced modeling of protein sequence and biophysical properties (such as structural, functional, and spatial information, amino acid conservation, physicochemical variation, residue mobility, and thermodynamic stability) performed at Invitae indicates that this missense variant is not expected to disrupt PALB2 protein function. Algorithms developed to predict the effect of sequence changes on RNA splicing suggest that this variant may disrupt the consensus splice site. In summary, the available evidence is currently insufficient to determine the role of this variant in disease. Therefore, it has been classified as a Variant of Uncertain Significance.

Color Diagnostics, LLC DBA Color Health
Classification: Uncertain significance for Hereditary cancer-predisposing syndrome. Last evaluated: 2021-10-06. Review status: criteria provided, single submitter. Criteria: ACMG Guidelines, 2015. Collection method: clinical testing. Allele origin: germline.
Comment: This missense variant replaces glycine with serine at codon 866 of the PALB2 protein. Computational prediction suggests that this variant may not impact protein structure and function (internally defined REVEL score threshold <= 0.5, PMID: 27666373). To our knowledge, functional studies have not been reported for this variant. This variant has been reported in one individual affected with breast cancer in the literature (PMID: 26564480). In a breast cancer case-control study, this variant was identified in one control and no cases (PMID: 33471991 - Leiden Open Variation Database DB-ID PALB2_010870). This variant has not been identified in the general population by the Genome Aggregation Database (gnomAD). The available evidence is insufficient to determine the role of this variant in disease conclusively. Therefore, this variant is classified as a Variant of Uncertain Significance.

Literature cited by the submitters: PubMed 26564480 (cited by Labcorp Genetics (formerly Invitae), Labcorp and Color Diagnostics, LLC DBA Color Health); PubMed 33471991 (cited by Color Diagnostics, LLC DBA Color Health).